The following is an entry in ClinVar:

NM_022763.4(FNDC3B):c.2130G>A (p.Met710Ile)

Gene: FNDC3B (fibronectin type III domain containing 3B; plus strand). Cytogenetic location: 3q26.31.
Variant type: single nucleotide variant.
Coding change: c.2130G>A on transcript NM_022763.4 (MANE Select); coding-DNA position 2130, G replaced by A.
Protein change: p.Met710Ile; replaces methionine 710 with isoleucine.
Molecular consequence: missense variant.
Genome position (GRCh38, 1-based): chr3:172,344,138, G>A. VCF-style: chr3-172344138-G-A. GRCh37 (hg19) VCF-style: chr3-172061928-G-A.
Other names: c.2130G>A, p.Met710Ile (NM_001135095.2); short protein forms M710I.
Identifiers: ClinVar variation 4669214 (VCV004669214.1).

ClinVar aggregate classification (germline): Uncertain significance (1 of 4 stars; one submission).

gnomAD v4.1: 2 of 1,614,182 alleles (0.00012%); highest among the groups gnomAD compares: Admixed American, 0.0033%; no homozygotes.

Submission:

Ambry Genetics
Classification: Uncertain significance. Last evaluated: 2025-11-19. Review status: criteria provided, single submitter. Criteria: Ambry Variant Classification Scheme 2023. Collection method: clinical testing. Allele origin: germline.
Comment: The c.2130G>A (p.M710I) alteration is located in exon 19 (coding exon 18) of the FNDC3B gene. This alteration results from a G to A substitution at nucleotide position 2130, causing the methionine (M) at amino acid position 710 to be replaced by an isoleucine (I). Based on data from gnomAD, the A allele has an overall frequency of 0.001% (2/251318) total alleles studied. The highest observed frequency was 0.006% (2/34588) of Latino alleles. Based on insufficient or conflicting evidence, the clinical significance of this alteration remains unclear.